The following is an entry in ClinVar:

ClinVar aggregate classification (germline): Likely benign (1 of 4 stars; one submission).

Submission:

GeneDx
Classification: Likely benign. Last evaluated: 2016-01-29. Review status: criteria provided, single submitter. Criteria: GeneDx Variant Classification (06012015). Collection method: clinical testing. Allele origin: germline. Affected: yes.
Comment: This variant is considered likely benign or benign based on one or more of the following criteria: it is a conservative change, it occurs at a poorly conserved position in the protein, it is predicted to be benign by multiple in silico algorithms, and/or has population frequency not consistent with disease.

NM_002739.5(PRKCG):c.910-12_910-9del

Gene: PRKCG (protein kinase C gamma; plus strand). Cytogenetic location: 19q13.42.
Variant type: Microsatellite.
Coding change: c.910-12_910-9del on transcript NM_002739.5 (MANE Select); 12 bases into the intron before coding-DNA position 910 through 9 bases into the intron before coding-DNA position 910, 4 bases deleted (CTTT; older notation c.910-12_910-9delCTTT).
Molecular consequence: intron variant.
Genome position (GRCh38, 1-based): chr19:53,893,350-53,893,353, CTTT deleted; deleting any 4 consecutive bases within chr19:53,893,345-53,893,353 gives the same sequence; the c. name uses the placement nearest the transcript's 3' end. VCF-style (leftmost placement, unchanged base first): chr19-53893344-CTCTT-C. GRCh37 (hg19) VCF-style: chr19-54396598-CTCTT-C.
Other names: c.910-12_910-9del (NM_001316329.2); c.910-12_910-9delCTTT (NM_002739.3).
Identifiers: ClinVar variation 420302 (VCV000420302.1), dbSNP rs756243469, ClinGen allele CA9640452.